The following is an entry in ClinVar:

NM_080732.4(EGLN2):c.428A>T (p.Glu143Val)

Genes: EGLN2 (egl-9 family hypoxia inducible factor 2; plus strand), RAB4B-EGLN2 (RAB4B-EGLN2 readthrough (NMD candidate); plus strand). Cytogenetic location: 19q13.2.
Variant type: single nucleotide variant.
Coding change: c.428A>T on transcript NM_080732.4 (MANE Select); coding-DNA position 428, A replaced by T.
Protein change: p.Glu143Val; replaces glutamic acid 143 with valine.
Molecular consequence: missense variant. On other transcripts: non-coding transcript variant (1).
Genome position (GRCh38, 1-based): chr19:40,801,000, A>T. VCF-style: chr19-40801000-A-T. GRCh37 (hg19) VCF-style: chr19-41306905-A-T.
Other names: c.428A>T, p.Glu143Val (NM_053046.4); short protein forms E143V.
Identifiers: ClinVar variation 3274815 (VCV003274815.1).
Genomic context (GRCh38, chr19:40,801,000, plus strand): 5'-AGGATGGTGGGGATGCCCCTTCACCCAGCAAACGGCCCTGGGCCAGGCAAGAGAACCAGG[A>T]GGCAGAGCGGGAGGGTGGCATGAGCTGCAGCTGCAGCAGTGGCAGTGGTGAGGCCAGTGC-3'
Protein context (NP_542770.2, residues 133-153): KRPWARQENQ[Glu143Val]AEREGGMSCS

ClinVar aggregate classification (germline): Uncertain significance (1 of 4 stars; one submission).

Submission:

Ambry Genetics
Classification: Uncertain significance. Last evaluated: 2024-03-17. Review status: criteria provided, single submitter. Criteria: Ambry Variant Classification Scheme 2023. Collection method: clinical testing. Allele origin: germline.
Comment: The p.E143V variant (also known as c.428A>T), located in coding exon 1 of the EGLN2 gene, results from an A to T substitution at nucleotide position 428. The glutamic acid at codon 143 is replaced by valine, an amino acid with dissimilar properties. This amino acid position is conserved. In addition, this alteration is predicted to be tolerated by in silico analysis. Based on the available evidence, the clinical significance of this alteration remains unclear.